The following is an entry in ClinVar:

NM_020738.4(KIDINS220):c.1034T>C (p.Met345Thr)

Gene: KIDINS220 (kinase D interacting substrate 220; minus strand). Cytogenetic location: 2p25.1.
Variant type: single nucleotide variant.
Coding change: c.1034T>C on transcript NM_020738.4 (MANE Select); coding-DNA position 1034, T replaced by C.
Protein change: p.Met345Thr; replaces methionine 345 with threonine.
Molecular consequence: missense variant. On other transcripts: non-coding transcript variant (2).
Genome position (GRCh38, 1-based): chr2:8,796,835, A>G on the plus strand (T>C on the coding strand, the complement: KIDINS220 is on the minus strand). VCF-style: chr2-8796835-A-G. GRCh37 (hg19) VCF-style: chr2-8936965-A-G.
Other names: c.908T>C, p.Met303Thr (NM_001348736.2); c.1034T>C, p.Met345Thr (NM_001348738.2, NM_001348732.2, NM_001348735.2 and 3 more transcripts); c.1037T>C, p.Met346Thr (NM_001348739.2, NM_001348729.2, NM_001348731.2 and 3 more transcripts); short protein forms M345T, M303T, M346T.
Identifiers: ClinVar variation 5006345 (VCV005006345.2).

ClinVar aggregate classification (germline): Uncertain significance (1 of 4 stars; one submission).

Conditions:
Ventriculomegaly and arthrogryposis. Identifiers: MedGen C5561973, MONDO:0859184, OMIM 619501.
Spastic paraplegia, intellectual disability, nystagmus, and obesity. Also called: Spastic paraplegia, intellectual disability, nystagmus, and obesity;. Identifiers: Orphanet 521390, MedGen C4284592, MONDO:0015007, OMIM 617296.

gnomAD v4.1: 2 of 1,611,334 alleles (0.00012%); highest among the groups gnomAD compares: East Asian, 0.0045%; no homozygotes.

Submission:

Juno Genomics, Hangzhou Juno Genomics, Inc
Classification: Uncertain significance for Spastic paraplegia, intellectual disability, nystagmus, and obesity; Ventriculomegaly and arthrogryposis. Review status: criteria provided, single submitter. Criteria: ACMG Guidelines, 2015. Collection method: clinical testing. Allele origin: germline.
Comment: Absent from controls (or at extremely low frequency if recessive) in Genome Aggregation Database.;Missense variant in a gene that has a low rate of benign missense variation.